The following is an entry in ClinVar:

NM_000057.4(BLM):c.3002T>A (p.Leu1001Gln)

Gene: BLM (BLM RecQ like helicase; plus strand). Cytogenetic location: 15q26.1.
Variant type: single nucleotide variant.
Coding change: c.3002T>A on transcript NM_000057.4 (MANE Select); coding-DNA position 3002, T replaced by A.
Protein change: p.Leu1001Gln; replaces leucine 1001 with glutamine.
Molecular consequence: missense variant.
Genome position (GRCh38, 1-based): chr15:90,790,827, T>A. VCF-style: chr15-90790827-T-A. GRCh37 (hg19) VCF-style: chr15-91334057-T-A.
Other names: c.3002T>A, p.Leu1001Gln (NM_001287246.2, NM_001287247.2); c.1877T>A, p.Leu626Gln (NM_001287248.2); short protein forms L1001Q, L626Q.
Identifiers: ClinVar variation 3224366 (VCV003224366.1), dbSNP rs2505517066, ClinGen allele CA393846593.

ClinVar aggregate classification (germline): Uncertain significance (1 of 4 stars; one submission).

Conditions:
Hereditary cancer-predisposing syndrome. Also called: Tumor predisposition; Hereditary neoplastic syndrome; Hereditary Cancer Syndrome; Neoplastic Syndromes, Hereditary. Identifiers: Orphanet 140162, MedGen C0027672, MeSH D009386, MONDO:0015356.

Submission:

Ambry Genetics
Classification: Uncertain significance for Hereditary cancer-predisposing syndrome. Last evaluated: 2024-02-09. Review status: criteria provided, single submitter. Criteria: Ambry Variant Classification Scheme 2023. Collection method: clinical testing. Allele origin: germline.
Comment: The p.L1001Q variant (also known as c.3002T>A), located in coding exon 14 of the BLM gene, results from a T to A substitution at nucleotide position 3002. The leucine at codon 1001 is replaced by glutamine, an amino acid with dissimilar properties. This amino acid position is conserved. In addition, this alteration is predicted to be deleterious by in silico analysis. Based on the available evidence, the clinical significance of this alteration remains unclear.